The following is an entry in ClinVar:

NM_004998.4(MYO1E):c.3235G>T (p.Asp1079Tyr)

Genes: MYO1E (myosin IE; minus strand), LOC112272600 (Sharpr-MPRA regulatory region 4265; plus strand). Cytogenetic location: 15q22.2.
Variant type: single nucleotide variant.
Coding change: c.3235G>T on transcript NM_004998.4 (MANE Select); coding-DNA position 3235, G replaced by T.
Protein change: p.Asp1079Tyr; replaces aspartic acid 1079 with tyrosine.
Molecular consequence: missense variant.
Genome position (GRCh38, 1-based): chr15:59,138,213, C>A on the plus strand (G>T on the coding strand, the complement: MYO1E is on the minus strand). VCF-style: chr15-59138213-C-A. GRCh37 (hg19) VCF-style: chr15-59430412-C-A.
Other names: short protein forms D1079Y.
Identifiers: ClinVar variation 2070362 (VCV002070362.5), dbSNP rs145140174, ClinGen allele CA7588980.

ClinVar aggregate classification (germline): Uncertain significance. Review status: criteria provided, multiple submitters, no conflicts (2 of 4 stars). 2 submissions from 2 submitters: Uncertain significance (2). Last evaluated 2025-06-12.

Conditions:
Focal segmental glomerulosclerosis 6 (FSGS6). Identifiers: Orphanet 656, MedGen C3279905, MONDO:0013589, OMIM 614131.

Allele frequency attached by ClinVar (database versions not stated): ExAC 0.00002; gnomAD 0.00005; TOPMed 0.00007; ESP Exome Variant Server 0.00008.

Submissions (3):

Labcorp Genetics (formerly Invitae), Labcorp
Classification: Uncertain significance. Last evaluated: 2025-06-12. Review status: criteria provided, single submitter. Criteria: Invitae Variant Classification Sherloc (09022015). Collection method: clinical testing. Allele origin: germline.
Comment: This sequence change replaces aspartic acid, which is acidic and polar, with tyrosine, which is neutral and polar, at codon 1079 of the MYO1E protein (p.Asp1079Tyr). This variant is present in population databases (rs145140174, gnomAD 0.01%). This variant has not been reported in the literature in individuals affected with MYO1E-related conditions. ClinVar contains an entry for this variant (Variation ID: 2070362). An algorithm developed to predict the effect of missense changes on protein structure and function (PolyPhen-2) suggests that this variant is likely to be disruptive. In summary, the available evidence is currently insufficient to determine the role of this variant in disease. Therefore, it has been classified as a Variant of Uncertain Significance.

Fulgent Genetics
Classification: Uncertain significance for Focal segmental glomerulosclerosis 6. Last evaluated: 2024-06-24. Review status: criteria provided, single submitter. Criteria: ACMG Guidelines, 2015. Collection method: clinical testing. Allele origin: germline.

Dr. Peter K. Rogan Lab, Western University
No classification provided (evidence only). Condition: Clear cell carcinoma of kidney. Review status: no classification provided. Collection method: in vitro. Allele origin: not applicable. Functional consequence: retained intron. Not counted in ClinVar's aggregate classification.